The following is an entry in ClinVar:

ClinVar aggregate classification (germline): Uncertain significance. Review status: criteria provided, multiple submitters, no conflicts (2 of 4 stars). 2 submissions from 2 submitters: Uncertain significance (2). Last evaluated 2024-12-29.

Conditions:
Hereditary cancer-predisposing syndrome. Also called: Tumor predisposition; Neoplastic Syndromes, Hereditary; Hereditary Cancer Syndrome; Hereditary neoplastic syndrome. Identifiers: Orphanet 140162, MedGen C0027672, MeSH D009386, MONDO:0015356.
Birt-Hogg-Dube syndrome. Also called: Birt Hogg Dubé syndrome. Identifiers: Orphanet 122, MedGen C0346010, MONDO:0800444.

Submissions (2):

Labcorp Genetics (formerly Invitae), Labcorp
Classification: Uncertain significance for Birt-Hogg-Dube syndrome. Last evaluated: 2024-12-29. Review status: criteria provided, single submitter. Criteria: Invitae Variant Classification Sherloc (09022015). Collection method: clinical testing. Allele origin: germline.
Comment: This sequence change replaces glutamic acid, which is acidic and polar, with glycine, which is neutral and non-polar, at codon 65 of the FLCN protein (p.Glu65Gly). This variant is not present in population databases (gnomAD no frequency). This variant has not been reported in the literature in individuals affected with FLCN-related conditions. ClinVar contains an entry for this variant (Variation ID: 2586509). Invitae Evidence Modeling of protein sequence and biophysical properties (such as structural, functional, and spatial information, amino acid conservation, physicochemical variation, residue mobility, and thermodynamic stability) indicates that this missense variant is not expected to disrupt FLCN protein function with a negative predictive value of 80%. In summary, the available evidence is currently insufficient to determine the role of this variant in disease. Therefore, it has been classified as a Variant of Uncertain Significance.

Ambry Genetics
Classification: Uncertain significance for Hereditary cancer-predisposing syndrome. Last evaluated: 2023-09-01. Review status: criteria provided, single submitter. Criteria: Ambry Variant Classification Scheme 2023. Collection method: clinical testing. Allele origin: germline.
Comment: The p.E65G variant (also known as c.194A>G), located in coding exon 1 of the FLCN gene, results from an A to G substitution at nucleotide position 194. The glutamic acid at codon 65 is replaced by glycine, an amino acid with similar properties. This amino acid position is conserved. In addition, this alteration is predicted to be deleterious by in silico analysis. Since supporting evidence is limited at this time, the clinical significance of this alteration remains unclear.

NM_144997.7(FLCN):c.194A>G (p.Glu65Gly)

Gene: FLCN (folliculin; minus strand). Cytogenetic location: 17p11.2.
Variant type: single nucleotide variant.
Coding change: c.194A>G on transcript NM_144997.7 (MANE Select); coding-DNA position 194, A replaced by G.
Protein change: p.Glu65Gly; replaces glutamic acid 65 with glycine.
Molecular consequence: missense variant.
Genome position (GRCh38, 1-based): chr17:17,227,944, T>C on the plus strand (A>G on the coding strand, the complement: FLCN is on the minus strand). VCF-style: chr17-17227944-T-C. GRCh37 (hg19) VCF-style: chr17-17131258-T-C.
Other names: c.194A>G, p.Glu65Gly (NM_001353229.2, NM_001353230.2, NM_001353231.2 and 1 more transcripts); short protein forms E65G.
Identifiers: ClinVar variation 2586509 (VCV002586509.4), dbSNP rs757012294, ClinGen allele CA398535129.
Genomic context (GRCh38, chr17:17,227,944, plus strand): 5'-CTTGCCTCGCACATGTCCGACTTTTTGGGCCCCGGGCTGCTGGACTCGACGCTGGCCCCC[T>C]CTGCGGGGCTGTGCGCACGCATCCGACTGTTCATCTGAATGCCACCTTCCTCTTCTTCCG-3'
Protein context (NP_659434.2, residues 55-75): NSRMRAHSPA[Glu65Gly]GASVESSSPG